The following is an entry in ClinVar:

ClinVar aggregate classification (germline): Uncertain significance (1 of 4 stars; one submission).

Conditions:
Autosomal recessive mendelian susceptibility to mycobacterial diseases due to complete RORgamma receptor deficiency. Also called: Immunodeficiency 42. Identifiers: Orphanet 477857, MedGen C5567647, MONDO:0014710, OMIM 616622.

Submission:

Labcorp Genetics (formerly Invitae), Labcorp
Classification: Uncertain significance for Autosomal recessive mendelian susceptibility to mycobacterial diseases due to complete RORgamma receptor deficiency. Last evaluated: 2022-06-27. Review status: criteria provided, single submitter. Criteria: Invitae Variant Classification Sherloc (09022015). Collection method: clinical testing. Allele origin: germline.
Comment: In summary, the available evidence is currently insufficient to determine the role of this variant in disease. Therefore, it has been classified as a Variant of Uncertain Significance. Algorithms developed to predict the effect of missense changes on protein structure and function (SIFT, PolyPhen-2, Align-GVGD) all suggest that this variant is likely to be disruptive. This variant has not been reported in the literature in individuals affected with RORC-related conditions. This variant is not present in population databases (gnomAD no frequency). This sequence change replaces valine, which is neutral and non-polar, with alanine, which is neutral and non-polar, at codon 331 of the RORC protein (p.Val331Ala).

NM_005060.4(RORC):c.992T>C (p.Val331Ala)

Gene: RORC (RAR related orphan receptor C; minus strand). Cytogenetic location: 1q21.3.
Variant type: single nucleotide variant.
Coding change: c.992T>C on transcript NM_005060.4 (MANE Select); coding-DNA position 992, T replaced by C.
Protein change: p.Val331Ala; replaces valine 331 with alanine.
Molecular consequence: missense variant.
Genome position (GRCh38, 1-based): chr1:151,813,562, A>G on the plus strand (T>C on the coding strand, the complement: RORC is on the minus strand). VCF-style: chr1-151813562-A-G. GRCh37 (hg19) VCF-style: chr1-151786038-A-G.
Other names: c.929T>C, p.Val310Ala (NM_001001523.2); short protein forms V310A, V331A.
Identifiers: ClinVar variation 1423845 (VCV001423845.8), dbSNP rs2101656505, ClinGen allele CA342012972.